The following is an entry in ClinVar:

NM_005051.3(QARS1):c.1114C>T (p.Pro372Ser)

Gene: QARS1 (glutaminyl-tRNA synthetase 1; minus strand). Cytogenetic location: 3p21.31.
Variant type: single nucleotide variant.
Coding change: c.1114C>T on transcript NM_005051.3 (MANE Select); coding-DNA position 1114, C replaced by T.
Protein change: p.Pro372Ser; replaces proline 372 with serine.
Molecular consequence: missense variant. On other transcripts: non-coding transcript variant (1).
Genome position (GRCh38, 1-based): chr3:49,100,240, G>A on the plus strand (C>T on the coding strand, the complement: QARS1 is on the minus strand). VCF-style: chr3-49100240-G-A. GRCh37 (hg19) VCF-style: chr3-49137673-G-A.
Other names: c.1081C>T, p.Pro361Ser (NM_001272073.2); short protein forms P372S, P361S.
Identifiers: ClinVar variation 2038921 (VCV002038921.4), dbSNP rs147332278, ClinGen allele CA74474631.

ClinVar aggregate classification (germline): Uncertain significance (1 of 4 stars; one submission).

Conditions:
Diffuse cerebral and cerebellar atrophy - intractable seizures - progressive microcephaly syndrome. Also called: Microcephaly, progressive, with seizures and cerebral and cerebellar atrophy. Identifiers: Orphanet 404437, MedGen C4014239, MONDO:0014335, OMIM 615760.

Allele frequency attached by ClinVar (database versions not stated): ESP Exome Variant Server 0.00008; TOPMed 0.00001.

Submission:

Labcorp Genetics (formerly Invitae), Labcorp
Classification: Uncertain significance for Diffuse cerebral and cerebellar atrophy - intractable seizures - progressive microcephaly syndrome. Last evaluated: 2022-08-20. Review status: criteria provided, single submitter. Criteria: Invitae Variant Classification Sherloc (09022015). Collection method: clinical testing. Allele origin: germline.
Comment: This sequence change replaces proline, which is neutral and non-polar, with serine, which is neutral and polar, at codon 372 of the QARS protein (p.Pro372Ser). This variant is not present in population databases (gnomAD no frequency). This variant has not been reported in the literature in individuals affected with QARS-related conditions. Algorithms developed to predict the effect of missense changes on protein structure and function (SIFT, PolyPhen-2, Align-GVGD) all suggest that this variant is likely to be tolerated. In summary, the available evidence is currently insufficient to determine the role of this variant in disease. Therefore, it has been classified as a Variant of Uncertain Significance.